The following is an entry in ClinVar:

NM_003244.4(TGIF1):c.380T>C (p.Met127Thr)

Gene: TGIF1 (TGFB induced factor homeobox 1; plus strand). Cytogenetic location: 18p11.31.
Variant type: single nucleotide variant.
Coding change: c.380T>C on transcript NM_003244.4 (MANE Select); coding-DNA position 380, T replaced by C.
Protein change: p.Met127Thr; replaces methionine 127 with threonine.
Molecular consequence: missense variant.
Genome position (GRCh38, 1-based): chr18:3,457,501, T>C. VCF-style: chr18-3457501-T-C. GRCh37 (hg19) VCF-style: chr18-3457499-T-C.
Other names: c.389T>C, p.Met130Thr (NM_001278682.2); c.380T>C, p.Met127Thr (NM_001278684.2, NM_173208.3); c.320T>C, p.Met107Thr (NM_001278686.3, NM_001374396.1, NM_001374397.1 and 5 more transcripts); c.422T>C, p.Met141Thr (NM_173207.4); short protein forms M127T, M141T, M107T, M130T.
Identifiers: ClinVar variation 2125626 (VCV002125626.4), dbSNP rs2510046334, ClinGen allele CA401723403.

ClinVar aggregate classification (germline): Uncertain significance (1 of 4 stars; one submission).

Conditions:
Holoprosencephaly 4 (HPE4). Identifiers: Orphanet 2162, MedGen C1840528, MONDO:0007734, OMIM 142946.

Allele frequency attached by ClinVar (database versions not stated): gnomAD exomes below 0.00001.

Submission:

Labcorp Genetics (formerly Invitae), Labcorp
Classification: Uncertain significance for Holoprosencephaly 4. Last evaluated: 2022-08-28. Review status: criteria provided, single submitter. Criteria: Invitae Variant Classification Sherloc (09022015). Collection method: clinical testing. Allele origin: germline.
Comment: In summary, the available evidence is currently insufficient to determine the role of this variant in disease. Therefore, it has been classified as a Variant of Uncertain Significance. Algorithms developed to predict the effect of missense changes on protein structure and function output the following: SIFT: "Tolerated"; PolyPhen-2: "Benign"; Align-GVGD: "Class C0". The threonine amino acid residue is found in multiple mammalian species, which suggests that this missense change does not adversely affect protein function. This variant has not been reported in the literature in individuals affected with TGIF1-related conditions. This variant is not present in population databases (gnomAD no frequency). This sequence change replaces methionine, which is neutral and non-polar, with threonine, which is neutral and polar, at codon 127 of the TGIF1 protein (p.Met127Thr).